The following is an entry in ClinVar:

NM_004448.4(ERBB2):c.457G>C (p.Val153Leu)

Gene: ERBB2 (erb-b2 receptor tyrosine kinase 2; plus strand). Cytogenetic location: 17q12.
Variant type: single nucleotide variant.
Coding change: c.457G>C on transcript NM_004448.4 (MANE Select); coding-DNA position 457, G replaced by C.
Protein change: p.Val153Leu; replaces valine 153 with leucine.
Molecular consequence: missense variant. On other transcripts: non-coding transcript variant (1), intron variant (2).
Genome position (GRCh38, 1-based): chr17:39,709,335, G>C. VCF-style: chr17-39709335-G-C. GRCh37 (hg19) VCF-style: chr17-37865588-G-C.
Other names: c.367G>C, p.Val123Leu (NM_001005862.3, NM_001289938.2, NM_001382782.1 and 1 more transcripts); c.412G>C, p.Val138Leu (NM_001289936.2); c.457G>C, p.Val153Leu (NM_001289937.2, NM_001382784.1, NM_001382785.1 and 17 more transcripts); c.532G>C, p.Val178Leu (NM_001382787.1); c.440-523G>C (NM_001382799.1); c.74-2593G>C (NM_001382804.1); c.448G>C, p.Val150Leu (NM_001382791.1); short protein forms V138L, V153L, V123L, V150L, V178L.
Identifiers: ClinVar variation 2889582 (VCV002889582.3), dbSNP rs778041266, ClinGen allele CA8533633.
Genomic context (GRCh38, chr17:39,709,335, plus strand): 5'-GACAGAAGGGGAAAGGGTCCTCTGATCATTGCTCACCCCACAGAGATCTTGAAAGGAGGG[G>C]TCTTGATCCAGCGGAACCCCCAGCTCTGCTACCAGGACACGATTTTGTGGAAGGACATCT-3'
Protein context (NP_004439.2, residues 143-163): RSLTEILKGG[Val153Leu]LIQRNPQLCY

ClinVar aggregate classification (germline): Uncertain significance (1 of 4 stars; one submission).

Allele frequency attached by ClinVar (database versions not stated): ExAC 0.00001; gnomAD exomes 0.00002.

Submission:

Labcorp Genetics (formerly Invitae), Labcorp
Classification: Uncertain significance. Last evaluated: 2022-12-24. Review status: criteria provided, single submitter. Criteria: Invitae Variant Classification Sherloc (09022015). Collection method: clinical testing. Allele origin: germline.
Comment: In summary, the available evidence is currently insufficient to determine the role of this variant in disease. Therefore, it has been classified as a Variant of Uncertain Significance. Advanced modeling of protein sequence and biophysical properties (such as structural, functional, and spatial information, amino acid conservation, physicochemical variation, residue mobility, and thermodynamic stability) has been performed at Invitae for this missense variant, however the output from this modeling did not meet the statistical confidence thresholds required to predict the impact of this variant on ERBB2 protein function. This variant has not been reported in the literature in individuals affected with ERBB2-related conditions. This variant is present in population databases (rs778041266, gnomAD 0.003%). This sequence change replaces valine, which is neutral and non-polar, with leucine, which is neutral and non-polar, at codon 153 of the ERBB2 protein (p.Val153Leu).